The following is an entry in ClinVar:

ClinVar aggregate classification (germline): Uncertain significance (1 of 4 stars; one submission).

Conditions:
Epileptic encephalopathy. Identifiers: MedGen C0543888, HP:0200134.

Allele frequency attached by ClinVar (database versions not stated): gnomAD 0.00001; gnomAD exomes 0.00001; TOPMed 0.00003.
gnomAD v4.1: 12 of 1,585,126 alleles (0.00076%); highest among the groups gnomAD compares: East Asian, 0.0023%; no homozygotes.

Submission:

Labcorp Genetics (formerly Invitae), Labcorp
Classification: Uncertain significance for Epileptic encephalopathy. Last evaluated: 2026-01-26. Review status: criteria provided, single submitter. Criteria: Invitae Variant Classification Sherloc (09022015). Collection method: clinical testing. Allele origin: germline.
Comment: This sequence change replaces arginine, which is basic and polar, with tryptophan, which is neutral and slightly polar, at codon 1538 of the FASN protein (p.Arg1538Trp). This variant is present in population databases (no rsID available, gnomAD 0.005%). This variant has not been reported in the literature in individuals affected with FASN-related conditions. ClinVar contains an entry for this variant (Variation ID: 1411283). An algorithm developed to predict the effect of missense changes on protein structure and function (PolyPhen-2) suggests that this variant is likely to be disruptive. In summary, the available evidence is currently insufficient to determine the role of this variant in disease. Therefore, it has been classified as a Variant of Uncertain Significance.

NM_004104.5(FASN):c.4612C>T (p.Arg1538Trp)

Gene: FASN (fatty acid synthase; minus strand). Cytogenetic location: 17q25.3.
Variant type: single nucleotide variant.
Coding change: c.4612C>T on transcript NM_004104.5 (MANE Select); coding-DNA position 4612, C replaced by T.
Protein change: p.Arg1538Trp; replaces arginine 1538 with tryptophan.
Molecular consequence: missense variant.
Genome position (GRCh38, 1-based): chr17:82,084,669, G>A on the plus strand (C>T on the coding strand, the complement: FASN is on the minus strand). VCF-style: chr17-82084669-G-A. GRCh37 (hg19) VCF-style: chr17-80042545-G-A.
Other names: short protein forms R1538W.
Identifiers: ClinVar variation 1411283 (VCV001411283.8), dbSNP rs1030974325, ClinGen allele CA295129337.
Genomic context (GRCh38, chr17:82,084,669, plus strand): 5'-AGGTGGGCTGGGCATGGCGCAGCGAGGAGCAGACCCAGCGGATGGAGGACAGGTCCCCCC[G>A]GGTGAGGGTGCTCACAAAGGCATGTGCCGTCGGCTCCTCAGGCTTGTCTAGGGAAACAGG-3'
Protein context (NP_004095.4, residues 1528-1548): TAHAFVSTLT[Arg1538Trp]GDLSSIRWVC